The following is an entry in ClinVar:

ClinVar aggregate classification (germline): Uncertain significance (1 of 4 stars; one submission).

Submission:

Labcorp Genetics (formerly Invitae), Labcorp
Classification: Uncertain significance. Last evaluated: 2025-02-20. Review status: criteria provided, single submitter. Criteria: Invitae Variant Classification Sherloc (09022015). Collection method: clinical testing. Allele origin: germline.
Comment: This sequence change replaces methionine, which is neutral and non-polar, with leucine, which is neutral and non-polar, at codon 37 of the COX6A1 protein (p.Met37Leu). This variant is not present in population databases (gnomAD no frequency). This variant has not been reported in the literature in individuals affected with COX6A1-related conditions. An algorithm developed to predict the effect of missense changes on protein structure and function outputs the following: PolyPhen-2: "Benign". The leucine amino acid residue is found in multiple mammalian species, which suggests that this missense change does not adversely affect protein function. In summary, the available evidence is currently insufficient to determine the role of this variant in disease. Therefore, it has been classified as a Variant of Uncertain Significance.

NM_004373.4(COX6A1):c.109A>T (p.Met37Leu)

Gene: COX6A1 (cytochrome c oxidase subunit 6A1; plus strand). Cytogenetic location: 12q24.31.
Variant type: single nucleotide variant.
Coding change: c.109A>T on transcript NM_004373.4 (MANE Select); coding-DNA position 109, A replaced by T.
Protein change: p.Met37Leu; replaces methionine 37 with leucine.
Molecular consequence: missense variant.
Genome position (GRCh38, 1-based): chr12:120,438,384, A>T. VCF-style: chr12-120438384-A-T. GRCh37 (hg19) VCF-style: chr12-120876187-A-T.
Other names: short protein forms M37L.
Identifiers: ClinVar variation 4763625 (VCV004763625.1).
Genomic context (GRCh38, chr12:120,438,384, plus strand): 5'-AGTGAGACCCGGGCCCGCCCCATACCGGCGCTGAACGTTTGTGGCTTCTCCGCAGCTCGC[A>T]TGTGGAAGACTCTCACCTTCTTCGTCGCGCTCCCCGGGGTGGCAGTCAGCATGCTGAATG-3'
Protein context (NP_004364.2, residues 27-47): GAHGEEGSAR[Met37Leu]WKTLTFFVAL